The following is an entry in ClinVar:

ClinVar aggregate classification (germline): Conflicting classifications of pathogenicity. Review status: criteria provided, conflicting classifications (1 of 4 stars). 6 submissions from 6 submitters: Uncertain significance (5); Likely benign (1). Last evaluated 2026-07-24.

Conditions:
Cardiovascular phenotype. Identifiers: MedGen CN230736.
Autosomal recessive limb-girdle muscular dystrophy type 2J (LGMDR10). Also called: MUSCULAR DYSTROPHY, LIMB-GIRDLE, AUTOSOMAL RECESSIVE 10; Limb-girdle muscular dystrophy, type 2J. Identifiers: Orphanet 140922, MedGen C1837342, MONDO:0012127, OMIM 608807.
Dilated cardiomyopathy 1G (CMD1G). Identifiers: Orphanet 154, MedGen C1858763, MONDO:0011400, OMIM 604145.
TTN-related disorder. Also called: TTN-related condition; TTN-related disease; TTN-related disorders.

Allele frequency attached by ClinVar (database versions not stated): gnomAD 0.00004 and 0.00005; gnomAD exomes 0.00004 and 0.00012; TOPMed 0.00004; ESP Exome Variant Server 0.00008; ExAC 0.00010; 1000 Genomes Project 30x 0.00016; 1000 Genomes Project 0.00020.
gnomAD v4.1: 71 of 1,613,224 alleles (0.0044%); highest among the groups gnomAD compares: Middle Eastern, 0.066%; no homozygotes.

Submissions (6):

PreventionGenetics, part of Exact Sciences
Classification: Uncertain significance for TTN-related condition. Last evaluated: 2026-07-24. Review status: criteria provided, single submitter. Criteria: ACMG Guidelines, 2015. Collection method: clinical testing. Allele origin: germline.
Comment: The TTN c.75668C>T variant is predicted to result in the amino acid substitution p.Thr25223Ile. To our knowledge, this variant has not been reported in the literature. This variant is reported in 0.075% of alleles in individuals of South Asian descent in gnomAD. At this time, the clinical significance of this variant is uncertain due to the absence of conclusive functional and genetic evidence.

Women's Health and Genetics/Laboratory Corporation of America, LabCorp
Classification: Uncertain significance. Last evaluated: 2026-05-30. Review status: criteria provided, single submitter. Criteria: LabCorp Variant Classification Summary - May 2015. Collection method: clinical testing. Allele origin: germline.

Ambry Genetics
Classification: Uncertain significance for Cardiovascular phenotype. Last evaluated: 2019-05-17. Review status: criteria provided, single submitter. Criteria: Ambry Variant Classification Scheme 2023. Collection method: clinical testing. Allele origin: germline.
Comment: The p.T16158I variant (also known as c.48473C>T), located in coding exon 153 of the TTN gene, results from a C to T substitution at nucleotide position 48473. The threonine at codon 16158 is replaced by isoleucine, an amino acid with similar properties. This amino acid position is not well conserved in available vertebrate species. In addition, this alteration is predicted to be tolerated by in silico analysis. Since supporting evidence is limited at this time, the clinical significance of this alteration remains unclear.

GeneDx
Classification: Likely benign. Last evaluated: 2017-12-27. Review status: criteria provided, single submitter. Criteria: GeneDx Variant Classification (06012015). Collection method: clinical testing. Allele origin: germline. Affected: yes.
Comment: This variant is considered likely benign or benign based on one or more of the following criteria: it is a conservative change, it occurs at a poorly conserved position in the protein, it is predicted to be benign by multiple in silico algorithms, and/or has population frequency not consistent with disease.

Labcorp Genetics (formerly Invitae), Labcorp
Classification: Uncertain significance for Dilated cardiomyopathy 1G; Autosomal recessive limb-girdle muscular dystrophy type 2J. Last evaluated: 2017-10-27. Review status: criteria provided, single submitter. Criteria: Invitae Variant Classification Sherloc (09022015). Collection method: clinical testing. Allele origin: germline.

Eurofins Ntd Llc (ga)
Classification: Uncertain significance. Last evaluated: 2015-09-03. Review status: criteria provided, single submitter. Criteria: EGL Classification Definitions 2015. Collection method: clinical testing. Allele origin: germline. Observed: 2 variant alleles, 2 heterozygotes.

NM_001267550.2(TTN):c.75668C>T (p.Thr25223Ile)

Genes: TTN-AS1 (TTN antisense RNA 1; plus strand), TTN (titin; minus strand). Cytogenetic location: 2q31.2.
Variant type: single nucleotide variant.
Coding change: c.75668C>T on transcript NM_001267550.2 (MANE Select); coding-DNA position 75668, C replaced by T.
Protein change: p.Thr25223Ile; replaces threonine 25223 with isoleucine.
Molecular consequence: missense variant.
Genome position (GRCh38, 1-based): chr2:178,570,464, G>A on the plus strand (C>T on the coding strand, the complement: TTN is on the minus strand). VCF-style: chr2-178570464-G-A. GRCh37 (hg19) VCF-style: chr2-179435191-G-A.
Other names: c.70745C>T, p.Thr23582Ile (NM_001256850.1); c.48473C>T, p.Thr16158Ile (NM_003319.4); c.67964C>T, p.Thr22655Ile (NM_133378.4); c.48848C>T, p.Thr16283Ile (NM_133432.3); c.49049C>T, p.Thr16350Ile (NM_133437.4); short protein forms T22655I, T25223I, T23582I, T16283I, T16350I, T16158I.
Identifiers: ClinVar variation 282520 (VCV000282520.11), dbSNP rs370070176, ClinGen allele CA1990011.
Genomic context (GRCh38, chr2:178,570,464, plus strand): 5'-TCCACAATATAATTTATGATGTCACTCCCACCATCCTGAAGTGGGGGTTTCCAAGCTAGT[G>A]TGCATTTTTCTGCTGTAACTCCTGAGATAACAACAGGTCCTTCAGGTGGCCCTGGTCTGT-3'
Protein context (NP_001254479.2, residues 25213-25233): VISGVTAEKC[Thr25223Ile]LAWKPPLQDG